The following is an entry in ClinVar:

ClinVar aggregate classification (germline): Uncertain significance (1 of 4 stars; one submission).

Allele frequency attached by ClinVar (database versions not stated): gnomAD exomes below 0.00001; ExAC 0.00001; gnomAD 0.00001.
gnomAD v4.1: 3 of 1,606,932 alleles (0.00019%); highest among the groups gnomAD compares: Non-Finnish European, 0.00026%; no homozygotes.

Submission:

Labcorp Genetics (formerly Invitae), Labcorp
Classification: Uncertain significance. Last evaluated: 2026-01-05. Review status: criteria provided, single submitter. Criteria: Invitae Variant Classification Sherloc (09022015). Collection method: clinical testing. Allele origin: germline.
Comment: This sequence change replaces methionine, which is neutral and non-polar, with isoleucine, which is neutral and non-polar, at codon 86 of the IFT52 protein (p.Met86Ile). This variant is not present in population databases (gnomAD no frequency). This variant has not been reported in the literature in individuals affected with IFT52-related conditions. ClinVar contains an entry for this variant (Variation ID: 1418851). Invitae Evidence Modeling of protein sequence and biophysical properties (such as structural, functional, and spatial information, amino acid conservation, physicochemical variation, residue mobility, and thermodynamic stability) has been performed for this missense variant. However, the output from this modeling did not meet the statistical confidence thresholds required to predict the impact of this variant on IFT52 protein function. In summary, the available evidence is currently insufficient to determine the role of this variant in disease. Therefore, it has been classified as a Variant of Uncertain Significance.

NM_016004.5(IFT52):c.258G>A (p.Met86Ile)

Gene: IFT52 (intraflagellar transport 52; plus strand). Cytogenetic location: 20q13.12.
Variant type: single nucleotide variant.
Coding change: c.258G>A on transcript NM_016004.5 (MANE Select); coding-DNA position 258, G replaced by A.
Protein change: p.Met86Ile; replaces methionine 86 with isoleucine.
Molecular consequence: missense variant. On other transcripts: 5 prime UTR variant (4).
Genome position (GRCh38, 1-based): chr20:43,603,810, G>A. VCF-style: chr20-43603810-G-A. GRCh37 (hg19) VCF-style: chr20-42232450-G-A.
Other names: c.258G>A, p.Met86Ile (NM_001303458.3, NM_001303459.3); c.-414G>A (NM_001323578.2, NM_001323580.2); c.-507G>A (NM_001323579.2, NM_001323581.2); short protein forms M86I.
Identifiers: ClinVar variation 1418851 (VCV001418851.4), dbSNP rs755382307, ClinGen allele CA9866807.